The following is an entry in ClinVar:

NM_020436.5(SALL4):c.2215G>T (p.Ala739Ser)

Gene: SALL4 (spalt like transcription factor 4; minus strand). Cytogenetic location: 20q13.2.
Variant type: single nucleotide variant.
Coding change: c.2215G>T on transcript NM_020436.5 (MANE Select); coding-DNA position 2215, G replaced by T.
Protein change: p.Ala739Ser; replaces alanine 739 with serine.
Molecular consequence: missense variant. On other transcripts: intron variant (1).
Genome position (GRCh38, 1-based): chr20:51,790,268, C>A on the plus strand (G>T on the coding strand, the complement: SALL4 is on the minus strand). VCF-style: chr20-51790268-C-A. GRCh37 (hg19) VCF-style: chr20-50406807-C-A.
Other names: c.2215G>T (LRG_675t1, NM_020436.4); c.1150+1065G>T (NM_001318031.2); short protein forms A739S.
Identifiers: ClinVar variation 195362 (VCV000195362.46), dbSNP rs41274696, ClinGen allele CA201691.

ClinVar aggregate classification (germline): Benign/Likely benign. Review status: criteria provided, multiple submitters, no conflicts (2 of 4 stars). 10 submissions from 10 submitters: Benign (1); Likely benign (6). 3 of the submissions do not count toward it. Last evaluated 2026-08-01.

Conditions:
SALL4-Related Disorders. Also called: SALL4-related disorder; SALL4-related condition. Identifiers: MedGen CN381056.
Duane-radial ray syndrome (DRRS). Also called: DR SYNDROME; DUANE ANOMALY WITH RADIAL RAY ABNORMALITIES AND DEAFNESS; Duane-Radial Ray Syndrome (DRRS) / Okihiro Syndrome; ACRORENOOCULAR SYNDROME; Okihiro Syndrome; Duane-Radial Ray Syndrome/Okihiro Syndrome. Identifiers: Orphanet 93293, Orphanet 959, MedGen C1623209, MONDO:0011812, OMIM 607323. Disease mechanism: gain of function.

Allele frequency attached by ClinVar (database versions not stated): TOPMed 0.00228; ExAC 0.00246; 1000 Genomes Project 30x 0.00250; gnomAD exomes 0.00264 and 0.00394; ESP Exome Variant Server 0.00277; 1000 Genomes Project 0.00280; gnomAD 0.00287 and 0.00290.
gnomAD v4.1: 6,122 of 1,614,146 alleles (0.38%); highest among the groups gnomAD compares: Non-Finnish European, 0.44%; 18 homozygotes.

Submissions (10):

CeGaT Center for Human Genetics Tuebingen
Classification: Likely benign. Last evaluated: 2026-08-01. Review status: criteria provided, single submitter. Criteria: CeGaT Center For Human Genetics Tuebingen Variant Classification Criteria Version 2. Collection method: clinical testing. Allele origin: germline. Affected: yes. Observed: 9 variant alleles.
Comment: SALL4: BP4, BS2

Labcorp Genetics (formerly Invitae), Labcorp
Classification: Benign for Duane-radial ray syndrome. Last evaluated: 2026-01-30. Review status: criteria provided, single submitter. Criteria: Invitae Variant Classification Sherloc (09022015). Collection method: clinical testing. Allele origin: germline.

Blueprint Genetics
Classification: Likely benign. Last evaluated: 2024-11-28. Review status: criteria provided, single submitter. Criteria: ACMG Guidelines, 2015. Collection method: clinical testing. Allele origin: germline.

GeneDx
Classification: Likely benign. Last evaluated: 2021-03-22. Review status: criteria provided, single submitter. Criteria: GeneDx Variant Classification Process June 2021. Collection method: clinical testing. Allele origin: germline. Affected: yes.

Center for Pediatric Genomic Medicine, Children's Mercy Hospital and Clinics
Classification: Likely benign. Last evaluated: 2017-02-13. Review status: criteria provided, single submitter. Criteria: ACMG Guidelines, 2015. Collection method: clinical testing. Allele origin: germline.
ClinVar note: Converted during submission from Likely Benign to Likely benign.

Eurofins Ntd Llc (ga)
Classification: Likely benign. Last evaluated: 2014-11-12. Review status: criteria provided, single submitter. Criteria: EGL Classification Definitions 2015. Collection method: clinical testing. Allele origin: germline. Observed: 1 variant allele, 1 heterozygote.

Breakthrough Genomics
Classification: Likely benign. Review status: criteria provided, single submitter. Criteria: ACMG Guidelines, 2015. Collection method: not provided. Allele origin: germline. Inheritance: Autosomal dominant inheritance. Affected: yes.

PreventionGenetics, part of Exact Sciences
Classification: Benign for SALL4-related condition. Last evaluated: 2019-07-26. Review status: no assertion criteria provided. Collection method: clinical testing. Allele origin: germline. Not counted in ClinVar's aggregate classification.
Comment: This variant is classified as benign based on ACMG/AMP sequence variant interpretation guidelines (Richards et al. 2015 PMID: 25741868, with internal and published modifications).

Clinical Genetics DNA and cytogenetics Diagnostics Lab, Erasmus MC, Erasmus Medical Center
Classification: Likely benign. Review status: no assertion criteria provided. Collection method: clinical testing. Allele origin: germline. Affected: yes. Study: VKGL Data-share Consensus. Not counted in ClinVar's aggregate classification.

Genome Diagnostics Laboratory, University Medical Center Utrecht
Classification: Likely benign. Review status: no assertion criteria provided. Collection method: clinical testing. Allele origin: germline. Affected: yes. Study: VKGL Data-share Consensus. Not counted in ClinVar's aggregate classification.